The following is an entry in ClinVar:

ClinVar aggregate classification (germline): Likely benign (1 of 4 stars; one submission).

Allele frequency attached by ClinVar (database versions not stated): ExAC 0.00002.
gnomAD v4.1: 1 of 1,198,529 alleles (0.000083%); highest among the groups gnomAD compares: Non-Finnish European, 0.00011%; no homozygotes.

Submission:

CeGaT Center for Human Genetics Tuebingen
Classification: Likely benign. Last evaluated: 2024-06-01. Review status: criteria provided, single submitter. Criteria: CeGaT Center For Human Genetics Tuebingen Variant Classification Criteria Version 2. Collection method: clinical testing. Allele origin: germline. Affected: yes. Observed: 2 variant alleles.
Comment: SYN1: BP4, BP7

NM_006950.3(SYN1):c.213G>C (p.Ser71=)

Gene: SYN1 (synapsin I; minus strand). Cytogenetic location: Xp11.23.
Variant type: single nucleotide variant.
Coding change: c.213G>C on transcript NM_006950.3 (MANE Select); coding-DNA position 213, G replaced by C.
Protein change: p.Ser71=; no amino-acid change (serine 71 retained).
Molecular consequence: synonymous variant.
Genome position (GRCh38, 1-based): chrX:47,619,516, C>G on the plus strand (G>C on the coding strand, the complement: SYN1 is on the minus strand). VCF-style: chrX-47619516-C-G. GRCh37 (hg19) VCF-style: chrX-47478915-C-G.
Other names: c.213G>C, p.Ser71= (NM_133499.2).
Identifiers: ClinVar variation 2660432 (VCV002660432.24), dbSNP rs774873821, ClinGen allele CA10398787.